The following is an entry in ClinVar:

ClinVar aggregate classification (germline): Uncertain significance (1 of 4 stars; one submission).

Submission:

GeneDx
Classification: Uncertain significance. Last evaluated: 2024-07-15. Review status: criteria provided, single submitter. Criteria: GeneDx Variant Classification Process June 2021. Collection method: clinical testing. Allele origin: germline. Affected: yes.
Comment: Not observed at significant frequency in large population cohorts (gnomAD); In-frame deletion of 1 amino acid in a non-repeat region; In silico analysis supports a deleterious effect on protein structure/function; Has not been previously published as pathogenic or benign to our knowledge

NM_001357.5(DHX9):c.3656GAG[1] (p.Gly1220del)

Gene: DHX9 (DExH-box helicase 9; plus strand). Cytogenetic location: 1q25.3.
Variant type: Microsatellite.
Coding change: c.3656GAG[1] on transcript NM_001357.5 (MANE Select); one copy of the 3-base unit GAG starting at c.3656; the reference has two copies in a row; one copy, 3 bases deleted.
Protein change: p.Gly1220del; deletes glycine 1220.
Molecular consequence: inframe deletion. On other transcripts: non-coding transcript variant (1).
Genome position (GRCh38, 1-based): chr1:182,887,280-182,887,282, GAG deleted; deleting any 3 consecutive bases within chr1:182,887,277-182,887,282 gives the same sequence; the position shown is the placement nearest the transcript's 3' end. VCF-style (leftmost placement, unchanged base first): chr1-182887276-AGAG-A. GRCh37 (hg19) VCF-style: chr1-182856411-AGAG-A.
Other names: short protein forms G1220del.
Identifiers: ClinVar variation 3573687 (VCV003573687.1).